The following is an entry in ClinVar:

ClinVar aggregate classification (germline): Conflicting classifications of pathogenicity. Review status: criteria provided, conflicting classifications (1 of 4 stars). 6 submissions from 6 submitters: Pathogenic (2); Likely pathogenic (2); Uncertain significance (2). Last evaluated 2025-10-16.

Conditions:
Biotinidase deficiency. Also called: BTD deficiency; Late-onset biotin-responsive multiple carboxylase deficiency; Biotin deficiency. Identifiers: Orphanet 79241, MedGen C0220754, MONDO:0009665, OMIM 253260.

Allele frequency attached by ClinVar (database versions not stated): TOPMed below 0.00001; ExAC 0.00001; gnomAD exomes below 0.00001.

Submissions (6):

Myriad Genetics, Inc.
Classification: Uncertain significance for Biotinidase deficiency. Last evaluated: 2025-10-16. Review status: criteria provided, single submitter. Criteria: Myriad Autosomal Dominant, Autosomal Recessive and X-Linked Classification Criteria (2023). Collection method: clinical testing. Allele origin: unknown.
Comment: NM_000060.2(BTD):c.682G>T(D228Y) is a missense variant classified as a variant of uncertain significance in the context of biotinidase deficiency. D228Y has been observed in a case with relevant disease (PMID: 9654207). Relevant functional assessments of this variant are not available in the literature. D228Y has not been observed in referenced population frequency databases. In summary, there is insufficient evidence to classify NM_000060.2(BTD):c.682G>T(D228Y) as pathogenic or benign. Please note: this variant was assessed in the context of healthy population screening.

Labcorp Genetics (formerly Invitae), Labcorp
Classification: Pathogenic for Biotinidase deficiency. Last evaluated: 2024-07-21. Review status: criteria provided, single submitter. Criteria: Invitae Variant Classification Sherloc (09022015). Collection method: clinical testing. Allele origin: germline.
Comment: This sequence change replaces aspartic acid, which is acidic and polar, with tyrosine, which is neutral and polar, at codon 228 of the BTD protein (p.Asp228Tyr). This variant is present in population databases (rs397514380, gnomAD 0.006%). This missense change has been observed in individual(s) with partial biotinidase deficiency (PMID: 9654207; Invitae). In at least one individual the data is consistent with being in trans (on the opposite chromosome) from a pathogenic variant. ClinVar contains an entry for this variant (Variation ID: 25035). Advanced modeling of protein sequence and biophysical properties (such as structural, functional, and spatial information, amino acid conservation, physicochemical variation, residue mobility, and thermodynamic stability) performed at Invitae indicates that this missense variant is expected to disrupt BTD protein function with a positive predictive value of 95%. This variant disrupts the p.Asp228 amino acid residue in BTD. Other variant(s) that disrupt this residue have been observed in individuals with BTD-related conditions (PMID: 24797656; Invitae), which suggests that this may be a clinically significant amino acid residue. For these reasons, this variant has been classified as Pathogenic.

Baylor Genetics
Classification: Likely pathogenic for Biotinidase deficiency. Last evaluated: 2024-01-17. Review status: criteria provided, single submitter. Criteria: ACMG Guidelines, 2015. Collection method: clinical testing. Allele origin: unknown.

Quest Diagnostics Nichols Institute San Juan Capistrano
Classification: Likely pathogenic. Last evaluated: 2021-02-18. Review status: criteria provided, single submitter. Criteria: Quest Diagnostics criteria. Collection method: clinical testing. Allele origin: unknown.
Comment: The variant has been reported to be associated with partial biotinidase deficiency (PMID: 9654207 (1998)). Analysis of this variant using bioinformatics tools for the prediction of the effect of amino acid changes on protein structure and function yielded predictions that this variant is disease causing and damaging. Based on the available information, this variant is classified as likely pathogenic.

Eurofins Ntd Llc (ga)
Classification: Uncertain significance. Last evaluated: 2017-08-02. Review status: criteria provided, single submitter. Criteria: EGL Classification Definitions 2015. Collection method: clinical testing. Allele origin: germline. Observed: 1 variant allele, 1 heterozygote.

GeneDx
Classification: Pathogenic. Last evaluated: 2016-01-19. Review status: criteria provided, single submitter. Criteria: GeneDx Variant Classification (06012015). Collection method: clinical testing. Allele origin: germline. Affected: yes.
Comment: The D228Y missense mutation in the BTD gene has been reported previously in association with biotinidase deficiency (Swango et al., 1998; ARUP BTD mutation database). Furthermore, another missense mutation at this position (D228G) and missense mutations in nearby residues (D222G, T234I) have been reported in association with biotinidase deficiency.

Literature cited by the submitters: PubMed 9654207 (cited by 3 submitters); PubMed 24797656 (cited by Labcorp Genetics (formerly Invitae), Labcorp); PubMed 11668630 (cited by Quest Diagnostics Nichols Institute San Juan Capistrano).

NM_001370658.1(BTD):c.622G>T (p.Asp208Tyr)

Gene: BTD (biotinidase; plus strand). Cytogenetic location: 3p25.1.
Variant type: single nucleotide variant.
Coding change: c.622G>T on transcript NM_001370658.1 (MANE Select); coding-DNA position 622, G replaced by T.
Protein change: p.Asp208Tyr; replaces aspartic acid 208 with tyrosine.
Molecular consequence: missense variant. On other transcripts: intron variant (1).
Genome position (GRCh38, 1-based): chr3:15,644,538, G>T. VCF-style: chr3-15644538-G-T. GRCh37 (hg19) VCF-style: chr3-15686045-G-T.
Other names: p.D228Y:GAT>TAT; c.622G>T, p.Asp208Tyr (NM_001407369.1, NM_001407370.1, NM_001407371.1 and 18 more transcripts); c.399+2481G>T (NM_001370753.1); c.682G>T, p.Asp228Tyr (NM_000060.4); short protein forms D208Y.
Identifiers: ClinVar variation 25035 (VCV000025035.15), dbSNP rs397514380, ClinGen allele CA278249.